The following is an entry in ClinVar:

ClinVar aggregate classification (germline): Uncertain significance (1 of 4 stars; one submission).

Conditions:
Primary familial hypertrophic cardiomyopathy (HCM). Identifiers: Orphanet 99739, MedGen C0949658, MeSH D024741, MONDO:0024573. Inheritance: Various modes of inheritance.

gnomAD v4.1: 215 of 1,614,034 alleles (0.013%); highest among the groups gnomAD compares: Non-Finnish European, 0.017%; no homozygotes.

Submission:

Labcorp Genetics (formerly Invitae), Labcorp
Classification: Uncertain significance for Primary familial hypertrophic cardiomyopathy. Last evaluated: 2023-10-30. Review status: criteria provided, single submitter. Criteria: Invitae Variant Classification Sherloc (09022015). Collection method: clinical testing. Allele origin: germline.
Comment: This sequence change replaces arginine, which is basic and polar, with leucine, which is neutral and non-polar, at codon 349 of the ILK protein (p.Arg349Leu). This variant is present in population databases (rs377094824, gnomAD 0.008%). This variant has not been reported in the literature in individuals affected with ILK-related conditions. ClinVar contains an entry for this variant (Variation ID: 1401842). An algorithm developed to predict the effect of missense changes on protein structure and function (PolyPhen-2) suggests that this variant is likely to be tolerated. In summary, the available evidence is currently insufficient to determine the role of this variant in disease. Therefore, it has been classified as a Variant of Uncertain Significance.

NM_004517.4(ILK):c.1046G>T (p.Arg349Leu)

Genes: ILK (integrin linked kinase; plus strand), TAF10 (TATA-box binding protein associated factor 10; minus strand). Cytogenetic location: 11p15.4.
Variant type: single nucleotide variant.
Coding change: c.1046G>T on transcript NM_004517.4 (MANE Select); coding-DNA position 1046, G replaced by T.
Protein change: p.Arg349Leu; replaces arginine 349 with leucine.
Molecular consequence: missense variant. On other transcripts: 3 prime UTR variant (1).
Genome position (GRCh38, 1-based): chr11:6,610,003, G>T. VCF-style: chr11-6610003-G-T. GRCh37 (hg19) VCF-style: chr11-6631234-G-T.
Other names: c.1046G>T, p.Arg349Leu (NM_001014794.3, NM_001014795.3); c.863G>T, p.Arg288Leu (NM_001278441.2); c.644G>T, p.Arg215Leu (NM_001278442.2); c.*919C>A (NM_006284.4); short protein forms R215L, R288L, R349L.
Identifiers: ClinVar variation 1401842 (VCV001401842.8), dbSNP rs377094824, ClinGen allele CA5858254.